The following is an entry in ClinVar:

ClinVar aggregate classification (germline): Uncertain significance (1 of 4 stars; one submission).

gnomAD v4.1: 2 of 1,525,968 alleles (0.00013%); highest among the groups gnomAD compares: East Asian, 0.0024%; no homozygotes.

Submission:

Labcorp Genetics (formerly Invitae), Labcorp
Classification: Uncertain significance. Last evaluated: 2020-11-26. Review status: criteria provided, single submitter. Criteria: Invitae Variant Classification Sherloc (09022015). Collection method: clinical testing. Allele origin: germline.
Comment: This sequence change replaces serine with cysteine at codon 308 of the PNPT1 protein (p.Ser308Cys). The serine residue is highly conserved and there is a moderate physicochemical difference between serine and cysteine. This variant is not present in population databases (ExAC no frequency). This variant has not been reported in the literature in individuals with PNPT1-related conditions. Advanced modeling of protein sequence and biophysical properties (such as structural, functional, and spatial information, amino acid conservation, physicochemical variation, residue mobility, and thermodynamic stability) performed at Invitae indicates that this missense variant is expected to disrupt PNPT1 protein function. In summary, the available evidence is currently insufficient to determine the role of this variant in disease. Therefore, it has been classified as a Variant of Uncertain Significance.

NM_033109.5(PNPT1):c.923C>G (p.Ser308Cys)

Gene: PNPT1 (polyribonucleotide nucleotidyltransferase 1; minus strand). Cytogenetic location: 2p16.1.
Variant type: single nucleotide variant.
Coding change: c.923C>G on transcript NM_033109.5 (MANE Select); coding-DNA position 923, C replaced by G.
Protein change: p.Ser308Cys; replaces serine 308 with cysteine.
Molecular consequence: missense variant.
Genome position (GRCh38, 1-based): chr2:55,671,372, G>C on the plus strand (C>G on the coding strand, the complement: PNPT1 is on the minus strand). VCF-style: chr2-55671372-G-C. GRCh37 (hg19) VCF-style: chr2-55898507-G-C.
Other names: short protein forms S308C.
Identifiers: ClinVar variation 1431742 (VCV001431742.8), dbSNP rs2104121526, ClinGen allele CA346931802.